The following is an entry in ClinVar:

ClinVar aggregate classification (germline): Benign. Review status: criteria provided, multiple submitters, no conflicts (2 of 4 stars). 3 submissions from 3 submitters: Benign (3). Last evaluated 2019-01-11.

Conditions:
Holt-Oram syndrome (HOS). Also called: Ventriculo-radial syndrome; Cardiac-limb syndrome; Heart-hand syndrome, type 1; TBX5-Related Holt-Oram Syndrome. Identifiers: Orphanet 392, MedGen C0265264, MONDO:0007732, OMIM 142900.

Allele frequency attached by ClinVar (database versions not stated): gnomAD 0.80110 and 0.80048; 1000 Genomes Project 0.80831; gnomAD exomes 1.00000; TOPMed 0.79518; 1000 Genomes Project 30x 0.80918.
gnomAD v4.1: 121,676 of 151,976 alleles (80%); highest among the groups gnomAD compares: East Asian, 91%; 48,947 homozygotes.

Submissions (3):

GeneDx
Classification: Benign. Last evaluated: 2019-01-11. Review status: criteria provided, single submitter. Criteria: GeneDx Variant Classification Process June 2021. Collection method: clinical testing. Allele origin: germline. Affected: yes.
Comment: This variant is associated with the following publications: (PMID: 28761722)

Illumina Laboratory Services, Illumina
Classification: Benign for Holt-Oram syndrome. Last evaluated: 2018-01-13. Review status: criteria provided, single submitter. Criteria: ICSL Variant Classification Criteria 13 December 2019. Collection method: clinical testing. Allele origin: germline.
Comment: This variant was observed in the ICSL laboratory as part of a predisposition screen in an ostensibly healthy population. It had not been previously curated by ICSL or reported in the Human Gene Mutation Database (HGMD: prior to June 1st, 2018), and was therefore a candidate for classification through an automated scoring system. Utilizing variant allele frequency, disease prevalence and penetrance estimates, and inheritance mode, an automated score was calculated to assess if this variant is too frequent to cause the disease. Based on the score and internal cut-off values, a variant classified as benign is not then subjected to further curation. The score for this variant resulted in a classification of benign for this disease.

Breakthrough Genomics
Classification: Benign. Review status: criteria provided, single submitter. Criteria: ACMG Guidelines, 2015. Collection method: not provided. Allele origin: germline. Inheritance: Autosomal dominant inheritance. Affected: yes.

NM_181486.4(TBX5):c.*1101A>G

Gene: TBX5 (T-box transcription factor 5; minus strand). Cytogenetic location: 12q24.21.
Variant type: single nucleotide variant.
Coding change: c.*1101A>G on transcript NM_181486.4 (MANE Select); 1101 bases downstream of the stop codon, A replaced by G.
Molecular consequence: 3 prime UTR variant.
Genome position (GRCh38, 1-based): chr12:114,354,431, T>C on the plus strand (A>G on the coding strand, the complement: TBX5 is on the minus strand). VCF-style: chr12-114354431-T-C. GRCh37 (hg19) VCF-style: chr12-114792236-T-C.
Other names: c.*1101A>G (NM_000192.3, NM_080717.4).
Identifiers: ClinVar variation 307275 (VCV000307275.8), dbSNP rs6489956, ClinGen allele CA10632067.
Genomic context (GRCh38, chr12:114,354,431, plus strand): 5'-ACTTTACTTACACACTTTTTTTAATACTGTTTTCGGCTTTCAGTAAACACAGTTTTGTGT[T>C]GGCATTGGTGTGGGCGTGGTTTCTTTGGCGAGATATCATTGGTGACTGTGTCTTGCCTCT-3'